The following is an entry in ClinVar:

ClinVar aggregate classification (germline): Likely pathogenic (1 of 4 stars; one submission).

Conditions:
Chromosome 2q32-q33 deletion syndrome (GLASS). Also called: Glass syndrome; 2q33.1 deletion syndrome. Identifiers: Orphanet 251019, MedGen C2676739, MONDO:0012864, OMIM 612313.

Submission:

Victorian Clinical Genetics Services, Murdoch Childrens Research Institute
Classification: Likely pathogenic for Chromosome 2q32-q33 deletion syndrome. Last evaluated: 2024-09-21. Review status: criteria provided, single submitter. Criteria: ACMG Guidelines, 2015. Collection method: clinical testing. Allele origin: germline. Inheritance: Autosomal dominant inheritance. Affected: yes.
Comment: Based on the classification scheme VCGS_Germline_v1.3.4, this variant is classified as Likely pathogenic. Following criteria are met: 0102 - Loss of function is a known mechanism of disease in this gene and is associated with Glass syndrome (MIM#612313). (I) 0107 - This gene is associated with autosomal dominant disease. (I) 0115 - Variants in this gene are known to have variable expressivity (OMIM). (I) 0200 - Variant is predicted to result in a missense amino acid change from asparagine to serine. (I) 0251 - This variant is heterozygous. (I) 0301 - Variant is absent from gnomAD (both v2 and v3). (SP) 0501 - Missense variant consistently predicted to be damaging by multiple in silico tools or highly conserved with a major amino acid change. (SP) 0601 - Variant is located in the annotated homeodomain, and is an important residue in the DNA-binding site (DECIPHER, NCBI) . (SP) 0705 - No comparable missense variants have previous evidence for pathogenicity. p.(Asn665Lys) has been classified as likely benign by a clinical laboratory in ClinVar however, no justification was given for this classification and the variant is not present in gnomAD. (I) 0807 - This variant has no previous evidence of pathogenicity. (I) 0905 - No published segregation evidence has been identified for this variant. (I) 1007 - No published functional evidence has been identified for this variant. (SP) Legend: (SP) - Supporting pathogenic, (I) - Information, (SB) - Supporting benign

NM_001172509.2(SATB2):c.1994A>G (p.Asn665Ser)

Genes: SATB2 (SATB homeobox 2; minus strand), LOC126806462 (MED14-independent group 3 enhancer GRCh37_chr2:200136608-200137807; plus strand). Cytogenetic location: 2q33.1.
Variant type: single nucleotide variant.
Coding change: c.1994A>G on transcript NM_001172509.2 (MANE Select); coding-DNA position 1994, A replaced by G.
Protein change: p.Asn665Ser; replaces asparagine 665 with serine.
Molecular consequence: missense variant.
Genome position (GRCh38, 1-based): chr2:199,272,419, T>C on the plus strand (A>G on the coding strand, the complement: SATB2 is on the minus strand). VCF-style: chr2-199272419-T-C. GRCh37 (hg19) VCF-style: chr2-200137142-T-C.
Other names: c.1994A>G, p.Asn665Ser (NM_001172517.1, NM_015265.4); short protein forms N665S.
Identifiers: ClinVar variation 3255052 (VCV003255052.2), dbSNP rs2468783233.
Genomic context (GRCh38, chr2:199,272,419, plus strand): 5'-TCCACCGCGGAGCCCAGGTGCTCTTTCAGCTTCCCGTGGTGCTTCACGTGGTACCGCTGG[T>C]TCTGGAAGAACTTGATGATGGTGTGTTTGGGGAGATCCAGCTGAGCCGAAAGAGTGTGGA-3'
Protein context (NP_001165980.1, residues 655-675): PKHTIIKFFQ[Asn665Ser]QRYHVKHHGK